The following is an entry in ClinVar:

ClinVar aggregate classification (germline): Pathogenic (1 of 4 stars; one submission).

Conditions:
Macrocephaly, dysmorphic facies, and psychomotor retardation (MDFPMR). Identifiers: Orphanet 457359, MedGen C4310766, MONDO:0014863, OMIM 617011.

Submission:

Women's Health and Genetics/Laboratory Corporation of America, LabCorp
Classification: Pathogenic for Macrocephaly, dysmorphic facies, and psychomotor retardation. Last evaluated: 2024-02-08. Review status: criteria provided, single submitter. Criteria: LabCorp Variant Classification Summary - May 2015. Collection method: clinical testing. Allele origin: germline.
Comment: Variant summary: HERC1 c.11160G>A (p.Trp3720X) results in a premature termination codon, predicted to cause absence of the protein due to nonsense mediated decay, which is a commonly known mechanism for disease. The variant was absent in 249086 control chromosomes (gnomAD). To our knowledge, no occurrence of c.11160G>A in individuals affected with Macrocephaly, Dysmorphic Facies, And Psychomotor Retardation and no experimental evidence demonstrating its impact on protein function have been reported. No submitters have cited clinical-significance assessments for this variant to ClinVar. Based on the evidence outlined above, the variant was classified as pathogenic.

NM_003922.4(HERC1):c.11160G>A (p.Trp3720Ter)

Gene: HERC1 (HECT and RLD domain containing E3 ubiquitin protein ligase family member 1; minus strand). Cytogenetic location: 15q22.31.
Variant type: single nucleotide variant.
Coding change: c.11160G>A on transcript NM_003922.4 (MANE Select); coding-DNA position 11160, G replaced by A.
Protein change: p.Trp3720Ter; replaces tryptophan 3720 with a stop codon.
Molecular consequence: nonsense.
Genome position (GRCh38, 1-based): chr15:63,645,016, C>T on the plus strand (G>A on the coding strand, the complement: HERC1 is on the minus strand). VCF-style: chr15-63645016-C-T. GRCh37 (hg19) VCF-style: chr15-63937215-C-T.
Other names: short protein forms W3720*.
Identifiers: ClinVar variation 3069015 (VCV003069015.2), dbSNP rs2551074619, ClinGen allele CA392749843.